The following is an entry in ClinVar:

NM_001358235.2(DCHS2):c.2053-13755G>A

Gene: DCHS2 (dachsous cadherin-related 2; minus strand). Cytogenetic location: 4q31.3.
Variant type: single nucleotide variant.
Coding change: c.2053-13755G>A on transcript NM_001358235.2 (MANE Select); 13755 bases into the intron before coding-DNA position 2053, G replaced by A.
Molecular consequence: intron variant.
Genome position (GRCh38, 1-based): chr4:154,391,199, C>T on the plus strand (G>A on the coding strand, the complement: DCHS2 is on the minus strand). VCF-style: chr4-154391199-C-T. GRCh37 (hg19) VCF-style: chr4-155312351-C-T.
Other names: NM_017639.3:c.99G>A; c.2053-13755G>A (NM_001142552.2).
Identifiers: ClinVar variation 3043167 (VCV003043167.2), dbSNP rs149172519, ClinGen allele CA3113720.

ClinVar aggregate classification (germline): Likely benign (0 of 4 stars; one submission).

Conditions:
DCHS2-related disorder. Also called: DCHS2-related condition.

Allele frequency attached by ClinVar (database versions not stated): 1000 Genomes Project 0.00100; 1000 Genomes Project 30x 0.00109; ExAC 0.00146; ESP Exome Variant Server 0.00177; gnomAD 0.00188; TOPMed 0.00191; gnomAD exomes 0.00231.
gnomAD v4.1: 3,703 of 1,613,366 alleles (0.23%); highest among the groups gnomAD compares: Middle Eastern, 0.84%; 13 homozygotes.

Submission:

PreventionGenetics, part of Exact Sciences
Classification: Likely benign for DCHS2-related condition. Last evaluated: 2019-02-21. Review status: no assertion criteria provided. Collection method: clinical testing. Allele origin: germline.
Comment: This variant is classified as likely benign based on ACMG/AMP sequence variant interpretation guidelines (Richards et al. 2015 PMID: 25741868, with internal and published modifications).